The following is an entry in ClinVar:

ClinVar aggregate classification (germline): Uncertain significance (1 of 4 stars; one submission).

Conditions:
Lethal multiple pterygium syndrome (LMPS). Identifiers: Orphanet 33108, MedGen C1854678, MONDO:0009668, OMIM 253290.

Submission:

Labcorp Genetics (formerly Invitae), Labcorp
Classification: Uncertain significance for Lethal multiple pterygium syndrome. Last evaluated: 2024-06-21. Review status: criteria provided, single submitter. Criteria: Invitae Variant Classification Sherloc (09022015). Collection method: clinical testing. Allele origin: germline.
Comment: This sequence change replaces aspartic acid, which is acidic and polar, with glycine, which is neutral and non-polar, at codon 513 of the CHRND protein (p.Asp513Gly). This variant is not present in population databases (gnomAD no frequency). This variant has not been reported in the literature in individuals affected with CHRND-related conditions. Advanced modeling of protein sequence and biophysical properties (such as structural, functional, and spatial information, amino acid conservation, physicochemical variation, residue mobility, and thermodynamic stability) performed at Invitae indicates that this missense variant is not expected to disrupt CHRND protein function with a negative predictive value of 95%. Algorithms developed to predict the effect of sequence changes on RNA splicing suggest that this variant may create or strengthen a splice site. In summary, the available evidence is currently insufficient to determine the role of this variant in disease. Therefore, it has been classified as a Variant of Uncertain Significance.

NM_000751.3(CHRND):c.1538A>G (p.Asp513Gly)

Gene: CHRND (cholinergic receptor nicotinic delta subunit; plus strand). Cytogenetic location: 2q37.1.
Variant type: single nucleotide variant.
Coding change: c.1538A>G on transcript NM_000751.3 (MANE Select); coding-DNA position 1538, A replaced by G.
Protein change: p.Asp513Gly; replaces aspartic acid 513 with glycine.
Molecular consequence: missense variant.
Genome position (GRCh38, 1-based): chr2:232,535,296, A>G. VCF-style: chr2-232535296-A-G. GRCh37 (hg19) VCF-style: chr2-233400006-A-G.
Other names: c.1493A>G, p.Asp498Gly (NM_001256657.2); c.956A>G, p.Asp319Gly (NM_001311195.2); c.1235A>G, p.Asp412Gly (NM_001311196.2); short protein forms D412G, D498G, D513G, D319G.
Identifiers: ClinVar variation 3634136 (VCV003634136.2).